The following is an entry in ClinVar:

ClinVar aggregate classification (germline): Uncertain significance (1 of 4 stars; one submission).

Submission:

CeGaT Center for Human Genetics Tuebingen
Classification: Uncertain significance. Last evaluated: 2026-05-01. Review status: criteria provided, single submitter. Criteria: CeGaT Center For Human Genetics Tuebingen Variant Classification Criteria Version 2. Collection method: clinical testing. Allele origin: germline. Affected: yes. Observed: 1 variant allele.
Comment: BICRA: PM2

NM_001394372.1(BICRA):c.1795C>G (p.Pro599Ala)

Gene: BICRA (BRD4 interacting chromatin remodeling complex associated protein; plus strand). Cytogenetic location: 19q13.33.
Variant type: single nucleotide variant.
Coding change: c.1795C>G on transcript NM_001394372.1 (MANE Select); coding-DNA position 1795, C replaced by G.
Protein change: p.Pro599Ala; replaces proline 599 with alanine.
Molecular consequence: missense variant.
Genome position (GRCh38, 1-based): chr19:47,680,965, C>G. VCF-style: chr19-47680965-C-G. GRCh37 (hg19) VCF-style: chr19-48184222-C-G.
Other names: c.1795C>G, p.Pro599Ala (NM_015711.3); short protein forms P599A.
Identifiers: ClinVar variation 4874930 (VCV004874930.2).